The following is an entry in ClinVar:

ClinVar aggregate classification (germline): Uncertain significance. Review status: criteria provided, multiple submitters, no conflicts (2 of 4 stars). 3 submissions from 3 submitters: Uncertain significance (3). Last evaluated 2024-07-01.

Conditions:
Hereditary cancer-predisposing syndrome. Also called: Neoplastic Syndromes, Hereditary; Hereditary Cancer Syndrome; Tumor predisposition; Hereditary neoplastic syndrome. Identifiers: Orphanet 140162, MedGen C0027672, MeSH D009386, MONDO:0015356.
Ataxia-telangiectasia syndrome (AT). Also called: LOUIS-BAR SYNDROME; Cerebello-oculocutaneous telangiectasia; Immunodeficiency with ataxia telangiectasia; Ataxia-telangiectasia, complementation group D; AT, COMPLEMENTATION GROUP C; Ataxia-telangiectasia, complementation group E. Identifiers: Orphanet 100, MedGen C0004135, MONDO:0008840, OMIM 208900.

Submissions (3):

Labcorp Genetics (formerly Invitae), Labcorp
Classification: Uncertain significance for Ataxia-telangiectasia syndrome. Last evaluated: 2024-07-01. Review status: criteria provided, single submitter. Criteria: Invitae Variant Classification Sherloc (09022015). Collection method: clinical testing. Allele origin: germline.
Comment: This sequence change replaces asparagine, which is neutral and polar, with lysine, which is basic and polar, at codon 2985 of the ATM protein (p.Asn2985Lys). This variant is not present in population databases (gnomAD no frequency). This variant has not been reported in the literature in individuals affected with ATM-related conditions. ClinVar contains an entry for this variant (Variation ID: 482591). An algorithm developed to predict the effect of missense changes on protein structure and function (PolyPhen-2) suggests that this variant is likely to be tolerated. In summary, the available evidence is currently insufficient to determine the role of this variant in disease. Therefore, it has been classified as a Variant of Uncertain Significance.

Ambry Genetics
Classification: Uncertain significance for Hereditary cancer-predisposing syndrome. Last evaluated: 2024-05-16. Review status: criteria provided, single submitter. Criteria: Ambry Variant Classification Scheme 2023. Collection method: clinical testing. Allele origin: germline.
Comment: The p.N2985K variant (also known as c.8955T>G), located in coding exon 61 of the ATM gene, results from a T to G substitution at nucleotide position 8955. The asparagine at codon 2985 is replaced by lysine, an amino acid with similar properties. This amino acid position is not well conserved in available vertebrate species. In addition, this alteration is predicted to be tolerated by in silico analysis. Since supporting evidence is limited at this time, the clinical significance of this alteration remains unclear.

Quest Diagnostics Nichols Institute San Juan Capistrano
Classification: Uncertain significance. Last evaluated: 2024-04-10. Review status: criteria provided, single submitter. Criteria: Quest Diagnostics criteria. Collection method: clinical testing. Allele origin: unknown.

NM_000051.4(ATM):c.8955T>G (p.Asn2985Lys)

Genes: ATM (ATM serine/threonine kinase; plus strand), C11orf65 (chromosome 11 open reading frame 65; minus strand). Cytogenetic location: 11q22.3.
Variant type: single nucleotide variant.
Coding change: c.8955T>G on transcript NM_000051.4 (MANE Select); coding-DNA position 8955, T replaced by G.
Protein change: p.Asn2985Lys; replaces asparagine 2985 with lysine.
Molecular consequence: missense variant. On other transcripts: intron variant (2).
Genome position (GRCh38, 1-based): chr11:108,365,186, T>G. VCF-style: chr11-108365186-T-G. GRCh37 (hg19) VCF-style: chr11-108235913-T-G.
Other names: c.8955T>G, p.Asn2985Lys (NM_001351834.2); c.640+20734A>C (NM_001330368.2); c.694+20734A>C (NM_001351110.2); short protein forms N2985K.
Identifiers: ClinVar variation 482591 (VCV000482591.18), dbSNP rs755561691, ClinGen allele CA382530239.